The following is an entry in ClinVar:

ClinVar aggregate classification (germline): Benign (1 of 4 stars; one submission).

Allele frequency attached by ClinVar (database versions not stated): TOPMed 0.00001.

Submission:

GeneDx
Classification: Benign. Last evaluated: 2013-05-03. Review status: criteria provided, single submitter. Criteria: GeneDx Variant Classification (06012015). Collection method: clinical testing. Allele origin: germline.
Comment: The variant is found in USHER panel(s).

NM_001384140.1(PCDH15):c.4492-1191G>A

Gene: PCDH15 (protocadherin related 15; minus strand). Cytogenetic location: 10q21.1.
Variant type: single nucleotide variant.
Coding change: c.4492-1191G>A on transcript NM_001384140.1 (MANE Select); 1191 bases into the intron before coding-DNA position 4492, G replaced by A.
Molecular consequence: intron variant.
Genome position (GRCh38, 1-based): chr10:53,812,810, C>T on the plus strand (G>A on the coding strand, the complement: PCDH15 is on the minus strand). VCF-style: chr10-53812810-C-T. GRCh37 (hg19) VCF-style: chr10-55572570-C-T.
Other names: p.T1557T:ACG>ACA; c.4368-2146G>A (NM_001354420.2); c.4426-1191G>A (NM_001354429.2); c.4374-2146G>A (NM_001142772.2); c.4389-2146G>A (NM_001142771.2, NM_001354411.2); c.4374-1191G>A (NM_001142770.3); c.4410-2146G>A (NM_001142769.3).
Identifiers: ClinVar variation 138587 (VCV000138587.1), dbSNP rs869312036, ClinGen allele CA358480.